The following is an entry in ClinVar:

ClinVar aggregate classification (germline): Uncertain significance. Review status: criteria provided, multiple submitters, no conflicts (2 of 4 stars). 2 submissions from 2 submitters: Uncertain significance (2). Last evaluated 2023-06-22.

Conditions:
Cardiovascular phenotype. Identifiers: MedGen CN230736.
Hereditary hemorrhagic telangiectasia (HHT). Also called: ORW DISEASE; Osler Weber Rendu syndrome; OSLER-RENDU-WEBER DISEASE; Osler hemorrhagic telangiectasia syndrome. Identifiers: Orphanet 774, MedGen C0039445, MONDO:0019180. Disease mechanism: loss of function.

Submissions (2):

Labcorp Genetics (formerly Invitae), Labcorp
Classification: Uncertain significance for Hereditary hemorrhagic telangiectasia. Last evaluated: 2023-06-22. Review status: criteria provided, single submitter. Criteria: Invitae Variant Classification Sherloc (09022015). Collection method: clinical testing. Allele origin: germline.
Comment: In summary, the available evidence is currently insufficient to determine the role of this variant in disease. Therefore, it has been classified as a Variant of Uncertain Significance. Advanced modeling of protein sequence and biophysical properties (such as structural, functional, and spatial information, amino acid conservation, physicochemical variation, residue mobility, and thermodynamic stability) performed at Invitae indicates that this missense variant is expected to disrupt ENG protein function. ClinVar contains an entry for this variant (Variation ID: 1781326). This variant has not been reported in the literature in individuals affected with ENG-related conditions. This variant is not present in population databases (gnomAD no frequency). This sequence change replaces leucine, which is neutral and non-polar, with proline, which is neutral and non-polar, at codon 355 of the ENG protein (p.Leu355Pro).

Ambry Genetics
Classification: Uncertain significance for Cardiovascular phenotype. Last evaluated: 2017-09-18. Review status: criteria provided, single submitter. Criteria: Ambry Variant Classification Scheme 2023. Collection method: clinical testing. Allele origin: germline.
Comment: The p.L355P variant (also known as c.1064T>C), located in coding exon 8 of the ENG gene, results from a T to C substitution at nucleotide position 1064. The leucine at codon 355 is replaced by proline, an amino acid with similar properties. This amino acid position is highly conserved in available vertebrate species. In addition, the in silico prediction for this alteration is inconclusive. Since supporting evidence is limited at this time, the clinical significance of this alteration remains unclear.

NM_001114753.3(ENG):c.1064T>C (p.Leu355Pro)

Gene: ENG (endoglin; minus strand). Cytogenetic location: 9q34.11.
Variant type: single nucleotide variant.
Coding change: c.1064T>C on transcript NM_001114753.3 (MANE Select); coding-DNA position 1064, T replaced by C.
Protein change: p.Leu355Pro; replaces leucine 355 with proline.
Molecular consequence: missense variant.
Genome position (GRCh38, 1-based): chr9:127,824,374, A>G on the plus strand (T>C on the coding strand, the complement: ENG is on the minus strand). VCF-style: chr9-127824374-A-G. GRCh37 (hg19) VCF-style: chr9-130586653-A-G.
Other names: c.1064T>C, p.Leu355Pro (NM_000118.4, NM_001406715.1); c.518T>C, p.Leu173Pro (NM_001278138.2); short protein forms L355P, L173P.
Identifiers: ClinVar variation 1781326 (VCV001781326.5), dbSNP rs2539071019, ClinGen allele CA374981475.
Genomic context (GRCh38, chr9:127,824,374, plus strand): 5'-TCTTTCTTTAGTACCAGGGTCATGGCGTCGTCGGCACACTTTGTCTGGATCAAGGACATG[A>G]GCAGCTCCGGGCTACAAGTGTCCTTGGGAGGAGTGGTCTGGATCGGTGCGGGTGAGGTCT-3'
Protein context (NP_001108225.1, residues 345-365): PPKDTCSPEL[Leu355Pro]MSLIQTKCAD